The following is an entry in ClinVar:

ClinVar aggregate classification (germline): Conflicting classifications of pathogenicity. Review status: criteria provided, conflicting classifications (1 of 4 stars). 6 submissions from 6 submitters: Uncertain significance (4); Benign (1); Likely benign (1). Last evaluated 2026-03-13.

Conditions:
TSC1-related disorder. Also called: TSC1-related condition.
Hereditary cancer-predisposing syndrome. Also called: Neoplastic Syndromes, Hereditary; Tumor predisposition; Hereditary Cancer Syndrome; Hereditary neoplastic syndrome. Identifiers: Orphanet 140162, MedGen C0027672, MeSH D009386, MONDO:0015356.
Isolated focal cortical dysplasia type II (FCORD2). Also called: Focal cortical dysplasia type II; CORTICAL DYSPLASIA OF TAYLOR. Identifiers: Orphanet 268994, MedGen C1846385, MONDO:0011818, OMIM 607341, HP:0032051.
Tuberous sclerosis syndrome (TSC). Also called: Tuberous Sclerosis Complex; Tuberous sclerosis. Identifiers: Orphanet 805, MedGen C0041341, MONDO:0001734.
Tuberous sclerosis 1 (TSC1). Identifiers: Orphanet 805, MedGen C1854465, MONDO:0008612, OMIM 191100.

Allele frequency attached by ClinVar (database versions not stated): gnomAD exomes below 0.00001 and 0.00001; ExAC 0.00001.
gnomAD v4.1: 1 of 1,614,232 alleles (0.000062%); highest among the groups gnomAD compares: Admixed American, 0.0017%; no homozygotes.

Submissions (6):

Women's Health and Genetics/Laboratory Corporation of America, LabCorp
Classification: Uncertain significance. Last evaluated: 2026-03-13. Review status: criteria provided, single submitter. Criteria: LabCorp Variant Classification Summary - May 2015. Collection method: clinical testing. Allele origin: germline.
Comment: Variant summary: TSC1 c.1818T>A (p.His606Gln) results in a non-conservative amino acid change in the encoded protein sequence. Algorithms developed to predict the effect of missense changes on protein structure and function are either unavailable or do not agree on the potential impact of this missense change. The variant allele was found at a frequency of 8e-06 in 251226 control chromosomes. The available data on variant occurrences in the general population are insufficient to allow any conclusion about variant significance. To our knowledge, no occurrence of c.1818T>A in individuals affected with TSC1-related conditions and no experimental evidence demonstrating its impact on protein function have been reported. ClinVar contains an entry for this variant (Variation ID: 411248). Based on the evidence outlined above, the variant was classified as uncertain significance.

PreventionGenetics, part of Exact Sciences
Classification: Likely benign for TSC1-related condition. Last evaluated: 2025-11-19. Review status: criteria provided, single submitter. Criteria: ACMG Guidelines, 2015. Collection method: clinical testing. Allele origin: germline.
Comment: This variant is classified as likely benign based on ACMG/AMP sequence variant interpretation guidelines (Richards et al. 2015 PMID: 25741868, with internal and published modifications).

Labcorp Genetics (formerly Invitae), Labcorp
Classification: Benign for Tuberous sclerosis 1. Last evaluated: 2025-10-07. Review status: criteria provided, single submitter. Criteria: Invitae Variant Classification Sherloc (09022015). Collection method: clinical testing. Allele origin: germline.

Ambry Genetics
Classification: Uncertain significance for Hereditary cancer-predisposing syndrome. Last evaluated: 2025-06-08. Review status: criteria provided, single submitter. Criteria: Ambry Variant Classification Scheme 2023. Collection method: clinical testing. Allele origin: germline.
Comment: The p.H606Q variant (also known as c.1818T>A), located in coding exon 13 of the TSC1 gene, results from a T to A substitution at nucleotide position 1818. The histidine at codon 606 is replaced by glutamine, an amino acid with highly similar properties. This amino acid position is well conserved in available vertebrate species. In addition, this alteration is predicted to be tolerated by in silico analysis. Since supporting evidence is limited at this time, the clinical significance of this alteration remains unclear.

Color Diagnostics, LLC DBA Color Health
Classification: Uncertain significance for Tuberous sclerosis syndrome. Last evaluated: 2024-07-23. Review status: criteria provided, single submitter. Criteria: ACMG Guidelines, 2015. Collection method: clinical testing. Allele origin: germline.
Comment: This missense variant replaces histidine with glutamine at codon 606 of the TSC1 protein. Computational prediction suggests that this variant may not impact protein structure and function. To our knowledge, functional studies have not been reported for this variant. This variant has not been reported in individuals affected with TSC1-related disorders in the literature. This variant has been identified in 2/251226 chromosomes in the general population by the Genome Aggregation Database (gnomAD). The available evidence is insufficient to determine the role of this variant in disease conclusively. Therefore, this variant is classified as a Variant of Uncertain Significance.

Baylor Genetics
Classification: Uncertain significance for Isolated focal cortical dysplasia type II. Last evaluated: 2023-10-24. Review status: criteria provided, single submitter. Criteria: ACMG Guidelines, 2015. Collection method: clinical testing. Allele origin: unknown.

NM_000368.5(TSC1):c.1818T>A (p.His606Gln)

Gene: TSC1 (TSC complex subunit 1; minus strand). Cytogenetic location: 9q34.13.
Variant type: single nucleotide variant.
Coding change: c.1818T>A on transcript NM_000368.5 (MANE Select); coding-DNA position 1818, T replaced by A.
Protein change: p.His606Gln; replaces histidine 606 with glutamine.
Molecular consequence: missense variant.
Genome position (GRCh38, 1-based): chr9:132,905,760, A>T on the plus strand (T>A on the coding strand, the complement: TSC1 is on the minus strand). VCF-style: chr9-132905760-A-T. GRCh37 (hg19) VCF-style: chr9-135781147-A-T.
Other names: c.1815T>A, p.His605Gln (NM_001162426.2); c.1665T>A, p.His555Gln (NM_001162427.2); c.1455T>A, p.His485Gln (NM_001362177.2); short protein forms H606Q, H605Q, H485Q, H555Q.
Identifiers: ClinVar variation 411248 (VCV000411248.21), dbSNP rs758769193, ClinGen allele CA029913.